The following is an entry in ClinVar:

ClinVar aggregate classification (germline): Benign/Likely benign. Review status: criteria provided, multiple submitters, no conflicts (2 of 4 stars). 7 submissions from 7 submitters: Benign (2); Likely benign (5). Last evaluated 2026-08-01.

Conditions:
SETD2-related disorder.
Luscan-Lumish syndrome. Identifiers: Orphanet 597738, MedGen C4085873, MONDO:0014791, OMIM 616831.

Allele frequency attached by ClinVar (database versions not stated): gnomAD exomes 0.00006 and 0.00019; ExAC 0.00017; TOPMed 0.00024; gnomAD 0.00029 and 0.00033; 1000 Genomes Project 30x 0.00062; 1000 Genomes Project 0.00080.
gnomAD v4.1: 168 of 1,552,064 alleles (0.011%); highest among the groups gnomAD compares: East Asian, 0.086%; 1 homozygote.

Submissions (7):

CeGaT Center for Human Genetics Tuebingen
Classification: Likely benign. Last evaluated: 2026-08-01. Review status: criteria provided, single submitter. Criteria: CeGaT Center For Human Genetics Tuebingen Variant Classification Criteria Version 2. Collection method: clinical testing. Allele origin: germline. Affected: yes. Observed: 1 variant allele.
Comment: SETD2: BP4

PreventionGenetics, part of Exact Sciences
Classification: Likely benign for SETD2-related condition. Last evaluated: 2026-02-06. Review status: criteria provided, single submitter. Criteria: ACMG Guidelines, 2015. Collection method: clinical testing. Allele origin: germline.
Comment: This variant is classified as likely benign based on ACMG/AMP sequence variant interpretation guidelines (Richards et al. 2015 PMID: 25741868, with internal and published modifications).

Mayo Clinic Laboratories, Mayo Clinic
Classification: Likely benign. Last evaluated: 2025-10-07. Review status: criteria provided, single submitter. Criteria: ACMG Guidelines, 2015. Collection method: clinical testing. Allele origin: germline. Observed: 1 variant allele.
Comment: BS1, BP4

Labcorp Genetics (formerly Invitae), Labcorp
Classification: Likely benign for Luscan-Lumish syndrome. Last evaluated: 2025-08-21. Review status: criteria provided, single submitter. Criteria: Invitae Variant Classification Sherloc (09022015). Collection method: clinical testing. Allele origin: germline.

Blueprint Genetics
Classification: Likely benign. Last evaluated: 2024-07-09. Review status: criteria provided, single submitter. Criteria: ACMG Guidelines, 2015. Collection method: clinical testing. Allele origin: germline.

Genome-Nilou Lab
Classification: Benign for Luscan-Lumish syndrome. Last evaluated: 2022-03-15. Review status: criteria provided, single submitter. Criteria: ACMG Guidelines, 2015. Collection method: clinical testing. Allele origin: germline. Affected: no.

GeneDx
Classification: Benign. Last evaluated: 2021-02-19. Review status: criteria provided, single submitter. Criteria: GeneDx Variant Classification Process June 2021. Collection method: clinical testing. Allele origin: germline. Affected: yes.
Comment: This variant is associated with the following publications: (PMID: 26338826)

NM_014159.7(SETD2):c.590C>T (p.Ala197Val)

Gene: SETD2 (SET domain containing 2, histone lysine methyltransferase; minus strand). Cytogenetic location: 3p21.31.
Variant type: single nucleotide variant.
Coding change: c.590C>T on transcript NM_014159.7 (MANE Select); coding-DNA position 590, C replaced by T.
Protein change: p.Ala197Val; replaces alanine 197 with valine.
Molecular consequence: missense variant. On other transcripts: non-coding transcript variant (1).
Genome position (GRCh38, 1-based): chr3:47,124,046, G>A on the plus strand (C>T on the coding strand, the complement: SETD2 is on the minus strand). VCF-style: chr3-47124046-G-A. GRCh37 (hg19) VCF-style: chr3-47165536-G-A.
Other names: p.Ala197Val; c.458C>T, p.Ala153Val (NM_001349370.3); short protein forms A197V, A153V.
Identifiers: ClinVar variation 475528 (VCV000475528.18), dbSNP rs374950143, ClinGen allele CA2363739.